The following is an entry in ClinVar:

ClinVar aggregate classification (germline): Uncertain significance (1 of 4 stars; one submission).

Allele frequency attached by ClinVar (database versions not stated): gnomAD 0.00002; gnomAD exomes 0.00002 and 0.00004; TOPMed 0.00002; ExAC 0.00007; ESP Exome Variant Server 0.00008; 1000 Genomes Project 30x 0.00016; 1000 Genomes Project 0.00020.
gnomAD v4.1: 36 of 1,612,688 alleles (0.0022%); highest among the groups gnomAD compares: Non-Finnish European, 0.0028%; no homozygotes.

Submission:

GeneDx
Classification: Uncertain significance. Last evaluated: 2021-02-05. Review status: criteria provided, single submitter. Criteria: GeneDx Variant Classification Process June 2021. Collection method: clinical testing. Allele origin: germline. Affected: yes.
Comment: Has not been previously published as pathogenic or benign to our knowledge; In silico analysis, which includes protein predictors and evolutionary conservation, supports a deleterious effect

NM_001135629.3(PPP1R21):c.1645C>T (p.Arg549Cys)

Gene: PPP1R21 (protein phosphatase 1 regulatory subunit 21; plus strand). Cytogenetic location: 2p16.3.
Variant type: single nucleotide variant.
Coding change: c.1645C>T on transcript NM_001135629.3 (MANE Select); coding-DNA position 1645, C replaced by T.
Protein change: p.Arg549Cys; replaces arginine 549 with cysteine.
Molecular consequence: missense variant. On other transcripts: non-coding transcript variant (1), intron variant (1).
Genome position (GRCh38, 1-based): chr2:48,495,724, C>T. VCF-style: chr2-48495724-C-T. GRCh37 (hg19) VCF-style: chr2-48722863-C-T.
Other names: c.1645C>T, p.Arg549Cys (NM_152994.5); c.1600-2769C>T (NM_001193475.2); short protein forms R549C.
Identifiers: ClinVar variation 1315784 (VCV001315784.2), dbSNP rs139240031, ClinGen allele CA1651405.